The following is an entry in ClinVar:

NM_000512.5(GALNS):c.1413C>T (p.Val471=)

Genes: GALNS (galactosamine (N-acetyl)-6-sulfatase; minus strand), LOC126862447 (CDK7 strongly-dependent group 2 enhancer GRCh37_chr16:88884193-88885392; plus strand). Cytogenetic location: 16q24.3.
Variant type: single nucleotide variant.
Coding change: c.1413C>T on transcript NM_000512.5 (MANE Select); coding-DNA position 1413, C replaced by T.
Protein change: p.Val471=; no amino-acid change (valine 471 retained).
Molecular consequence: synonymous variant.
Genome position (GRCh38, 1-based): chr16:88,818,076, G>A on the plus strand (C>T on the coding strand, the complement: GALNS is on the minus strand). VCF-style: chr16-88818076-G-A. GRCh37 (hg19) VCF-style: chr16-88884484-G-A.
Other names: c.858C>T, p.Val286= (NM_001323543.2); c.1431C>T, p.Val477= (NM_001323544.2).
Identifiers: ClinVar variation 93167 (VCV000093167.27), dbSNP rs73251084, ClinGen allele CA146713.

ClinVar aggregate classification (germline): Benign. Review status: criteria provided, multiple submitters, no conflicts (2 of 4 stars). 8 submissions from 8 submitters: Benign (6). 2 of the submissions do not count toward it. Last evaluated 2026-01-31.

Conditions:
GALNS-related disorder. Also called: GALNS-related condition.
Mucopolysaccharidosis, MPS-IV-A (MPS4A). Also called: Morquio syndrome A, mild; MORQUIO A DISEASE; Mucopolysaccharidosis type IV A; MORQUIO SYNDROME A; Mucopolysaccharidosis Type IVA; MPS IVA. Identifiers: Orphanet 309297, Orphanet 582, MedGen C0086651, MONDO:0009659, OMIM 253000.

Allele frequency attached by ClinVar (database versions not stated): 1000 Genomes Project 0.01258; 1000 Genomes Project 30x 0.01343; ExAC 0.00585; ESP Exome Variant Server 0.01059; gnomAD 0.01159; TOPMed 0.01245.
gnomAD v4.1: 3,486 of 1,574,452 alleles (0.22%); highest among the groups gnomAD compares: African/African-American, 4.2%; 72 homozygotes.

Submissions (8):

Labcorp Genetics (formerly Invitae), Labcorp
Classification: Benign for Mucopolysaccharidosis, MPS-IV-A. Last evaluated: 2026-01-31. Review status: criteria provided, single submitter. Criteria: Invitae Variant Classification Sherloc (09022015). Collection method: clinical testing. Allele origin: germline.

Genome-Nilou Lab
Classification: Benign for Mucopolysaccharidosis, MPS-IV-A. Last evaluated: 2021-11-07. Review status: criteria provided, single submitter. Criteria: ACMG Guidelines, 2015. Collection method: clinical testing. Allele origin: germline. Affected: no.

Illumina Laboratory Services, Illumina
Classification: Benign for Mucopolysaccharidosis, MPS-IV-A. Last evaluated: 2018-01-13. Review status: criteria provided, single submitter. Criteria: ICSL Variant Classification Criteria 13 December 2019. Collection method: clinical testing. Allele origin: germline.
Comment: This variant was observed in the ICSL laboratory as part of a predisposition screen in an ostensibly healthy population. It had not been previously curated by ICSL or reported in the Human Gene Mutation Database (HGMD: prior to June 1st, 2018), and was therefore a candidate for classification through an automated scoring system. Utilizing variant allele frequency, disease prevalence and penetrance estimates, and inheritance mode, an automated score was calculated to assess if this variant is too frequent to cause the disease. Based on the score and internal cut-off values, a variant classified as benign is not then subjected to further curation. The score for this variant resulted in a classification of benign for this disease.

Women's Health and Genetics/Laboratory Corporation of America, LabCorp
Classification: Benign. Last evaluated: 2017-10-30. Review status: criteria provided, single submitter. Criteria: LabCorp Variant Classification Summary - May 2015. Collection method: clinical testing. Allele origin: germline.
Comment: Variant summary: The GALNS c.1413C>T (p.Val471Val) variant involves the alteration of a non-conserved nucleotide, resulting in a synonymous change. One in silico tool predicts a benign outcome for this variant. 5/5 splice prediction tools predict no significant impact on normal splicing. ESE finder predicts that this variant may affect the binding sites for splicing enhancers. However, these predictions have yet to be confirmed by functional studies. This variant was found in 884/216186 control chromosomes, predominantly observed in the African subpopulation at a frequency of 0.041844 (827/19764). This frequency is about 20 times the estimated maximal expected allele frequency of a pathogenic GALNS variant (0.0020412), suggesting this is likely a benign polymorphism found primarily in the populations of African origin. In addition, multiple clinical diagnostic laboratories/reputable databases classified this variant as benign/likely benign. The variant of interest has not, to our knowledge, been reported in affected individuals via publications; nor evaluated for functional impact by in vivo/vitro studies. Taken together, this variant is classified as benign.

Eurofins Ntd Llc (ga)
Classification: Benign. Last evaluated: 2013-11-14. Review status: criteria provided, single submitter. Criteria: EGL Classification Definitions 2015. Collection method: clinical testing. Allele origin: germline. Observed: 2 variant alleles, 2 heterozygotes.

Breakthrough Genomics
Classification: Benign. Review status: criteria provided, single submitter. Criteria: ACMG Guidelines, 2015. Collection method: not provided. Allele origin: germline. Inheritance: Autosomal recessive inheritance. Affected: yes.

PreventionGenetics, part of Exact Sciences
Classification: Benign for GALNS-related condition. Last evaluated: 2019-10-01. Review status: no assertion criteria provided. Collection method: clinical testing. Allele origin: germline. Not counted in ClinVar's aggregate classification.
Comment: This variant is classified as benign based on ACMG/AMP sequence variant interpretation guidelines (Richards et al. 2015 PMID: 25741868, with internal and published modifications).

Mayo Clinic Laboratories, Mayo Clinic
Classification: Likely benign. Last evaluated: 2017-05-01. Review status: no assertion criteria provided. Collection method: clinical testing. Allele origin: unknown. Not counted in ClinVar's aggregate classification.